The following is an entry in ClinVar:

NM_032578.4(MYPN):c.21A>G (p.Glu7=)

Gene: MYPN (myopalladin; plus strand). Cytogenetic location: 10q21.3.
Variant type: single nucleotide variant.
Coding change: c.21A>G on transcript NM_032578.4 (MANE Select); coding-DNA position 21, A replaced by G.
Protein change: p.Glu7=; no amino-acid change (glutamic acid 7 retained).
Molecular consequence: synonymous variant. On other transcripts: 5 prime UTR variant (1), non-coding transcript variant (1).
Genome position (GRCh38, 1-based): chr10:68,121,459, A>G. VCF-style: chr10-68121459-A-G. GRCh37 (hg19) VCF-style: chr10-69881216-A-G.
Other names: c.21A>G, p.Glu7= (NM_001256267.2); c.-1102A>G (NM_001256268.2).
Identifiers: ClinVar variation 4826161 (VCV004826161.3).

ClinVar aggregate classification (germline): Likely benign. Review status: criteria provided, multiple submitters, no conflicts (2 of 4 stars). 2 submissions from 2 submitters: Likely benign (2). Last evaluated 2026-05-01.

Conditions:
Cardiovascular phenotype. Identifiers: MedGen CN230736.

gnomAD v4.1: 50 of 1,612,660 alleles (0.0031%); highest among the groups gnomAD compares: South Asian, 0.052%; 1 homozygote.

Submissions (2):

CeGaT Center for Human Genetics Tuebingen
Classification: Likely benign. Last evaluated: 2026-05-01. Review status: criteria provided, single submitter. Criteria: CeGaT Center For Human Genetics Tuebingen Variant Classification Criteria Version 2. Collection method: clinical testing. Allele origin: germline. Affected: yes. Observed: 1 variant allele.
Comment: MYPN: BP4

Ambry Genetics
Classification: Likely benign for Cardiovascular phenotype. Last evaluated: 2026-02-24. Review status: criteria provided, single submitter. Criteria: Ambry Variant Classification Scheme 2023. Collection method: clinical testing. Allele origin: germline.